The following is an entry in ClinVar:

NM_024642.5(GALNT12):c.1031T>A (p.Phe344Tyr)

Gene: GALNT12 (polypeptide N-acetylgalactosaminyltransferase 12; plus strand). Cytogenetic location: 9q22.33.
Variant type: single nucleotide variant.
Coding change: c.1031T>A on transcript NM_024642.5 (MANE Select); coding-DNA position 1031, T replaced by A.
Protein change: p.Phe344Tyr; replaces phenylalanine 344 with tyrosine.
Molecular consequence: missense variant.
Genome position (GRCh38, 1-based): chr9:98,835,362, T>A. VCF-style: chr9-98835362-T-A. GRCh37 (hg19) VCF-style: chr9-101597644-T-A.
Other names: short protein forms F344Y.
Identifiers: ClinVar variation 4261504 (VCV004261504.1).
Genomic context (GRCh38, chr9:98,835,362, plus strand): 5'-ATCTGGGGTCTTATGATACAGGAATGGAAGTTTGGGGAGGAGAAAACCTCGAATTTTCCT[T>A]TAGGGTAAGTATTTCAGTCTTCTCTTTGGACATGTTCTTAACTGATTCTCTCTTTGGGAA-3'
Protein context (NP_078918.3, residues 334-354): VWGGENLEFS[Phe344Tyr]RIWQCGGVLE

ClinVar aggregate classification (germline): Uncertain significance (1 of 4 stars; one submission).

Submission:

Ambry Genetics
Classification: Uncertain significance. Last evaluated: 2025-08-22. Review status: criteria provided, single submitter. Criteria: Ambry Variant Classification Scheme 2023. Collection method: clinical testing. Allele origin: germline.
Comment: The p.F344Y variant (also known as c.1031T>A), located in coding exon 5 of the GALNT12 gene, results from a T to A substitution at nucleotide position 1031. The phenylalanine at codon 344 is replaced by tyrosine, an amino acid with highly similar properties. This amino acid position is conserved. In addition, the in silico prediction for this alteration is inconclusive. Based on the available evidence, the clinical significance of this variant remains unclear.